The following is an entry in ClinVar:

NM_020778.5(ALPK3):c.4130-169G>C

Gene: ALPK3 (alpha kinase 3; plus strand). Cytogenetic location: 15q25.3.
Variant type: single nucleotide variant.
Coding change: c.4130-169G>C on transcript NM_020778.5 (MANE Select); 169 bases into the intron before coding-DNA position 4130, G replaced by C.
Molecular consequence: intron variant.
Genome position (GRCh38, 1-based): chr15:84,862,466, G>C. VCF-style: chr15-84862466-G-C. GRCh37 (hg19) VCF-style: chr15-85405697-G-C.
Identifiers: ClinVar variation 678713 (VCV000678713.1), dbSNP rs139859971, ClinGen allele CA273631060.

ClinVar aggregate classification (germline): Likely benign (1 of 4 stars; one submission).

Allele frequency attached by ClinVar (database versions not stated): gnomAD 0.00678 and 0.00668; 1000 Genomes Project 0.00319; 1000 Genomes Project 30x 0.00328; TOPMed 0.00598.
gnomAD v4.1: 1,015 of 152,186 alleles (0.67%); highest among the groups gnomAD compares: Middle Eastern, 2%; 8 homozygotes.

Submission:

GeneDx
Classification: Likely benign. Last evaluated: 2018-06-14. Review status: criteria provided, single submitter. Criteria: GeneDx Variant Classification (06012015). Collection method: clinical testing. Allele origin: germline. Affected: yes.
Comment: This variant is considered likely benign or benign based on one or more of the following criteria: it is a conservative change, it occurs at a poorly conserved position in the protein, it is predicted to be benign by multiple in silico algorithms, and/or has population frequency not consistent with disease.